The following is an entry in ClinVar:

ClinVar aggregate classification (germline): Uncertain significance (1 of 4 stars; one submission).

gnomAD v4.1: 2 of 1,613,912 alleles (0.00012%); highest among the groups gnomAD compares: Admixed American, 0.0017%; no homozygotes.

Submission:

Dasa
Classification: Uncertain significance. Last evaluated: 2025-01-30. Review status: criteria provided, single submitter. Criteria: DASA Assertion Criteria. Collection method: clinical testing. Allele origin: germline.
Comment: NM_080552.3(SLC32A1):c.992A>G (p.Gln331Arg) is a missense variant that results in the substitution of glutamine with arginine. This variant is rare in population databases. Computational prediction algorithms are consistent with a benign effect. The currently available literature and clinical evidence are not sufficient to establish a definitive association between this variant and the reported condition. Therefore, this variant is classified as a variant of uncertain significance.

NM_080552.3(SLC32A1):c.992A>G (p.Gln331Arg)

Gene: SLC32A1 (solute carrier family 32 member 1; plus strand). Cytogenetic location: 20q11.23.
Variant type: single nucleotide variant.
Coding change: c.992A>G on transcript NM_080552.3 (MANE Select); coding-DNA position 992, A replaced by G.
Protein change: p.Gln331Arg; replaces glutamine 331 with arginine.
Molecular consequence: missense variant.
Genome position (GRCh38, 1-based): chr20:38,728,053, A>G. VCF-style: chr20-38728053-A-G. GRCh37 (hg19) VCF-style: chr20-37356696-A-G.
Other names: short protein forms Q331R.
Identifiers: ClinVar variation 4883711 (VCV004883711.2).